The following is an entry in ClinVar:

NM_015001.3(SPEN):c.9413G>A (p.Ser3138Asn)

Gene: SPEN (spen family transcriptional repressor; plus strand). Cytogenetic location: 1p36.13.
Variant type: single nucleotide variant.
Coding change: c.9413G>A on transcript NM_015001.3 (MANE Select); coding-DNA position 9413, G replaced by A.
Protein change: p.Ser3138Asn; replaces serine 3138 with asparagine.
Molecular consequence: missense variant.
Genome position (GRCh38, 1-based): chr1:15,935,653, G>A. VCF-style: chr1-15935653-G-A. GRCh37 (hg19) VCF-style: chr1-16262148-G-A.
Other names: short protein forms S3138N.
Identifiers: ClinVar variation 4076207 (VCV004076207.1).

ClinVar aggregate classification (germline): Uncertain significance (1 of 4 stars; one submission).

Conditions:
Radio-Tartaglia syndrome. Identifiers: Orphanet 662234, MedGen C5543339, MONDO:0859143, OMIM 619312.

Submission:

Laboratorio de Genetica e Diagnostico Molecular, Hospital Israelita Albert Einstein
Classification: Uncertain significance for Radio-Tartaglia syndrome. Last evaluated: 2024-08-26. Review status: criteria provided, single submitter. Criteria: ACMG Guidelines, 2015. Collection method: clinical testing. Allele origin: germline. Affected: yes.
Comment: ACMG classification criteria: PM2 supporting, BP4 supporting